The following is an entry in ClinVar:

NM_152703.5(SAMD9L):c.1537G>A (p.Glu513Lys)

Gene: SAMD9L (sterile alpha motif domain containing 9 like; minus strand). Cytogenetic location: 7q21.2.
Variant type: single nucleotide variant.
Coding change: c.1537G>A on transcript NM_152703.5 (MANE Select); coding-DNA position 1537, G replaced by A.
Protein change: p.Glu513Lys; replaces glutamic acid 513 with lysine.
Molecular consequence: missense variant.
Genome position (GRCh38, 1-based): chr7:93,134,435, C>T on the plus strand (G>A on the coding strand, the complement: SAMD9L is on the minus strand). VCF-style: chr7-93134435-C-T. GRCh37 (hg19) VCF-style: chr7-92763748-C-T.
Other names: c.1537G>A, p.Glu513Lys (NM_001303496.3, NM_001303497.3, NM_001303498.3 and 5 more transcripts); short protein forms E513K.
Identifiers: ClinVar variation 3949850 (VCV003949850.1).
Genomic context (GRCh38, chr7:93,134,435, plus strand): 5'-TGAGAAATAAAATTAGTTTCCTGACTTCTGAAGCTCTTTCTCTCTGCCATAAATGTGGTT[C>T]TAGAGGTTTATATGTCTCGCTTTTCAGGTCTGATCTGCCGTTGCAGAAAATCCAGCTGGG-3'
Protein context (NP_689916.2, residues 503-523): DLKSETYKPL[Glu513Lys]PHLWQRERAS

ClinVar aggregate classification (germline): Uncertain significance (1 of 4 stars; one submission).

Conditions:
Inborn genetic diseases. Identifiers: MedGen C0950123, MeSH D030342.

Submission:

Ambry Genetics
Classification: Uncertain significance for Inborn genetic diseases. Last evaluated: 2025-04-17. Review status: criteria provided, single submitter. Criteria: Ambry Variant Classification Scheme 2023. Collection method: clinical testing. Allele origin: germline.
Comment: The p.E513K variant (also known as c.1537G>A), located in coding exon 1 of the SAMD9L gene, results from a G to A substitution at nucleotide position 1537. The glutamic acid at codon 513 is replaced by lysine, an amino acid with similar properties. This amino acid position is conserved. In addition, this alteration is predicted to be tolerated by in silico analysis. Based on the available evidence, the clinical significance of this variant remains unclear.